The following is an entry in ClinVar:

ClinVar aggregate classification (germline): Uncertain significance. Review status: criteria provided, multiple submitters, no conflicts (2 of 4 stars). 2 submissions from 2 submitters: Uncertain significance (2). Last evaluated 2026-06-03.

Conditions:
Cardiovascular phenotype. Identifiers: MedGen CN230736.
Myofibrillar myopathy 5. Also called: Filaminopathy (type); FILAMINOPATHY, AUTOSOMAL DOMINANT. Identifiers: Orphanet 171445, MedGen C1836050, MONDO:0012289, OMIM 609524.
Distal myopathy with posterior leg and anterior hand involvement. Also called: WILLIAMS DISTAL MYOPATHY. Identifiers: Orphanet 63273, MedGen C3279722, MONDO:0013550, OMIM 614065.
Hypertrophic cardiomyopathy 26. Also called: Cardiomyopathy, familial hypertrophic, 26. Identifiers: Orphanet 75249, MedGen C4310749, MONDO:0014883, OMIM 617047.

Allele frequency attached by ClinVar (database versions not stated): TOPMed below 0.00001; gnomAD exomes below 0.00001; ExAC 0.00001; gnomAD 0.00001.
gnomAD v4.1: 6 of 1,613,018 alleles (0.00037%); highest among the groups gnomAD compares: Non-Finnish European, 0.00051%; no homozygotes.

Submissions (2):

Ambry Genetics
Classification: Uncertain significance for Cardiovascular phenotype. Last evaluated: 2026-06-03. Review status: criteria provided, single submitter. Criteria: Ambry Variant Classification Scheme 2023. Collection method: clinical testing. Allele origin: germline.
Comment: The c.163A>C (p.K55Q) alteration is located in exon 1 (coding exon 1) of the FLNC gene. This alteration results from a A to C substitution at nucleotide position 163, causing the lysine (K) at amino acid position 55 to be replaced by a glutamine (Q). Based on data from gnomAD, the C allele has an overall frequency of <0.001% (1/248984) total alleles studied. The highest observed frequency was 0.001% (1/112220) of European (non-Finnish) alleles. Based on insufficient or conflicting evidence, the clinical significance of this alteration remains unclear.

Labcorp Genetics (formerly Invitae), Labcorp
Classification: Uncertain significance for Distal myopathy with posterior leg and anterior hand involvement; Myofibrillar myopathy 5; Hypertrophic cardiomyopathy 26. Last evaluated: 2026-01-05. Review status: criteria provided, single submitter. Criteria: Invitae Variant Classification Sherloc (09022015). Collection method: clinical testing. Allele origin: germline.
Comment: This sequence change replaces lysine, which is basic and polar, with glutamine, which is neutral and polar, at codon 55 of the FLNC protein (p.Lys55Gln). This variant is present in population databases (rs769870285, gnomAD 0.0009%). This variant has not been reported in the literature in individuals affected with FLNC-related conditions. ClinVar contains an entry for this variant (Variation ID: 1425236). Invitae Evidence Modeling of protein sequence and biophysical properties (such as structural, functional, and spatial information, amino acid conservation, physicochemical variation, residue mobility, and thermodynamic stability) has been performed for this missense variant. However, the output from this modeling did not meet the statistical confidence thresholds required to predict the impact of this variant on FLNC protein function. In summary, the available evidence is currently insufficient to determine the role of this variant in disease. Therefore, it has been classified as a Variant of Uncertain Significance.

NM_001458.5(FLNC):c.163A>C (p.Lys55Gln)

Gene: FLNC (filamin C; plus strand). Cytogenetic location: 7q32.1.
Variant type: single nucleotide variant.
Coding change: c.163A>C on transcript NM_001458.5 (MANE Select); coding-DNA position 163, A replaced by C.
Protein change: p.Lys55Gln; replaces lysine 55 with glutamine.
Molecular consequence: missense variant.
Genome position (GRCh38, 1-based): chr7:128,830,800, A>C. VCF-style: chr7-128830800-A-C. GRCh37 (hg19) VCF-style: chr7-128470854-A-C.
Other names: c.163A>C, p.Lys55Gln (NM_001127487.2); c.163A>C (NM_001458.4); short protein forms K55Q.
Identifiers: ClinVar variation 1425236 (VCV001425236.8), dbSNP rs769870285, ClinGen allele CA4473965.